The following is an entry in ClinVar:

NM_021978.4(ST14):c.1181C>T (p.Ala394Val)

Gene: ST14 (ST14 transmembrane serine protease matriptase; plus strand). Cytogenetic location: 11q24.3.
Variant type: single nucleotide variant.
Coding change: c.1181C>T on transcript NM_021978.4 (MANE Select); coding-DNA position 1181, C replaced by T.
Protein change: p.Ala394Val; replaces alanine 394 with valine.
Molecular consequence: missense variant.
Genome position (GRCh38, 1-based): chr11:130,196,406, C>T. VCF-style: chr11-130196406-C-T. GRCh37 (hg19) VCF-style: chr11-130066301-C-T.
Other names: short protein forms A394V.
Identifiers: ClinVar variation 4753531 (VCV004753531.1).
Genomic context (GRCh38, chr11:130,196,406, plus strand): 5'-ACAACCAGCATGTGAAGGTGCGCTTCAAATTCTTCTACCTGCTGGAGCCCGGCGTGCCTG[C>T]GGGCACCTGCCCCAAGGACTACGTGGAGATCAACGGGGAGAAGTGAGTCCCCGGGGGTAT-3'
Protein context (NP_068813.1, residues 384-404): FFYLLEPGVP[Ala394Val]GTCPKDYVEI

ClinVar aggregate classification (germline): Uncertain significance (1 of 4 stars; one submission).

gnomAD v4.1: 23 of 1,610,050 alleles (0.0014%); highest among the groups gnomAD compares: South Asian, 0.0055%; no homozygotes.

Submission:

Labcorp Genetics (formerly Invitae), Labcorp
Classification: Uncertain significance. Last evaluated: 2025-07-23. Review status: criteria provided, single submitter. Criteria: Invitae Variant Classification Sherloc (09022015). Collection method: clinical testing. Allele origin: germline.
Comment: This sequence change replaces alanine, which is neutral and non-polar, with valine, which is neutral and non-polar, at codon 394 of the ST14 protein (p.Ala394Val). The frequency data for this variant in the population databases is considered unreliable, as metrics indicate poor data quality at this position in the gnomAD database. This variant has not been reported in the literature in individuals affected with ST14-related conditions. Invitae Evidence Modeling of protein sequence and biophysical properties (such as structural, functional, and spatial information, amino acid conservation, physicochemical variation, residue mobility, and thermodynamic stability) indicates that this missense variant is not expected to disrupt ST14 protein function with a negative predictive value of 80%. In summary, the available evidence is currently insufficient to determine the role of this variant in disease. Therefore, it has been classified as a Variant of Uncertain Significance.